The following is an entry in ClinVar:

ClinVar aggregate classification (germline): Conflicting classifications of pathogenicity. Review status: criteria provided, conflicting classifications (1 of 4 stars). 10 submissions from 10 submitters: Uncertain significance (7); Likely benign (1). 2 of the submissions do not count toward it. Last evaluated 2026-05-20.

Conditions:
BRCA1-related disorder. Also called: BRCA1-related condition.
BRCA1-related cancer predisposition. Identifiers: MedGen CN377757, MONDO:0700268.
Hereditary cancer-predisposing syndrome. Also called: Tumor predisposition; Neoplastic Syndromes, Hereditary; Hereditary Cancer Syndrome; Hereditary neoplastic syndrome. Identifiers: Orphanet 140162, MedGen C0027672, MeSH D009386, MONDO:0015356.
Hereditary breast ovarian cancer syndrome. Also called: Hereditary breast and ovarian cancer syndrome (HBOC); Hereditary breast and ovarian cancer syndrome; Hereditary breast and ovarian cancer; Hereditary breast and/or ovarian cancer syndrome; Breast and ovarian cancer; BRCA1- and BRCA2-Associated Hereditary Breast and Ovarian Cancer. Identifiers: Orphanet 145, MedGen C0677776, MeSH D061325, MONDO:0003582. Disease mechanism: loss of function.
Breast-ovarian cancer, familial, susceptibility to, 1 (BROVCA1). Also called: OVARIAN CANCER, SUSCEPTIBILITY TO; BRCA1 Hereditary Breast and Ovarian Cancer. Identifiers: Orphanet 145, MedGen C2676676, MONDO:0011450, OMIM 604370. Disease mechanism: loss of function.

Allele frequency attached by ClinVar (database versions not stated): gnomAD exomes below 0.00001 and 0.00001; ExAC 0.00001; gnomAD 0.00001; TOPMed 0.00001.
gnomAD v4.1: 6 of 1,613,904 alleles (0.00037%); highest among the groups gnomAD compares: African/African-American, 0.004%; no homozygotes.

Submissions (10):

Women's Health and Genetics/Laboratory Corporation of America, LabCorp
Classification: Uncertain significance. Last evaluated: 2026-05-20. Review status: criteria provided, single submitter. Criteria: LabCorp Variant Classification Summary - May 2015. Collection method: clinical testing. Allele origin: germline.
Comment: Variant summary: BRCA1 c.3169A>G (p.Ser1057Gly) results in a non-conservative amino acid change in the encoded protein sequence. The variant allele was found at a frequency of 8e-06 in 250852 control chromosomes. The available data on variant occurrences in the general population are insufficient to allow any conclusion about variant significance. c.3169A>G has been observed in individuals/families affected with Hereditary Breast And Ovarian Cancer Syndrome (e.g. Judkins_2005, Bishop_2020). These reports do not provide unequivocal conclusions about association of the variant with disease. To our knowledge, no experimental evidence demonstrating an impact on protein function has been reported. The following publications have been ascertained in the context of this evaluation (PMID: 16267036, 31415627, 32866190). ClinVar contains an entry for this variant (Variation ID: 54787). Based on the evidence outlined above, the variant was classified as uncertain significance.

Labcorp Genetics (formerly Invitae), Labcorp
Classification: Uncertain significance for Hereditary breast ovarian cancer syndrome. Last evaluated: 2026-01-04. Review status: criteria provided, single submitter. Criteria: Invitae Variant Classification Sherloc (09022015). Collection method: clinical testing. Allele origin: germline.
Comment: This sequence change replaces serine, which is neutral and polar, with glycine, which is neutral and non-polar, at codon 1057 of the BRCA1 protein (p.Ser1057Gly). This variant is present in population databases (rs80357479, gnomAD 0.004%). This missense change has been observed in individual(s) with breast cancer (PMID: 32866190). ClinVar contains an entry for this variant (Variation ID: 54787). Invitae Evidence Modeling of protein sequence and biophysical properties (such as structural, functional, and spatial information, amino acid conservation, physicochemical variation, residue mobility, and thermodynamic stability) indicates that this missense variant is not expected to disrupt BRCA1 protein function with a negative predictive value of 95%. In summary, the available evidence is currently insufficient to determine the role of this variant in disease. Therefore, it has been classified as a Variant of Uncertain Significance.

PreventionGenetics, part of Exact Sciences
Classification: Uncertain significance for BRCA1-related condition. Last evaluated: 2025-11-03. Review status: criteria provided, single submitter. Criteria: ACMG Guidelines, 2015. Collection method: clinical testing. Allele origin: germline.
Comment: The BRCA1 c.3169A>G variant is predicted to result in the amino acid substitution p.Ser1057Gly. This variant has been reported in two individuals undergoing genetic testing for hereditary breast or ovarian cancer (Judkins et al. 2005. PubMed ID: 16267036; Bishop et al. 2020. PubMed ID: 32866190) and is reported in ClinVar as uncertain (Variation ID: 54787). This variant is reported in 0.0080% of alleles in individuals of African descent in gnomAD. At this time, the clinical significance of this variant is uncertain due to the absence of conclusive functional and genetic evidence.

Ambry Genetics
Classification: Uncertain significance for Hereditary cancer-predisposing syndrome. Last evaluated: 2025-01-13. Review status: criteria provided, single submitter. Criteria: Ambry Variant Classification Scheme 2023. Collection method: clinical testing. Allele origin: germline.
Comment: The p.S1057G variant (also known as c.3169A>G), located in coding exon 9 of the BRCA1 gene, results from an A to G substitution at nucleotide position 3169. The serine at codon 1057 is replaced by glycine, an amino acid with similar properties. This variant was identified in a cohort of 3,579 African males diagnosed with prostate cancer who underwent multi-gene panel testing of 19 DNA repair and cancer predisposition genes (Matejcic M et al. JCO Precis Oncol, 2020 Jan;4:32-43). This amino acid position is well conserved in available vertebrate species. In addition, the in silico prediction for this alteration is inconclusive. Based on the available evidence, the clinical significance of this variant remains unclear.

All of Us Research Program, National Institutes of Health
Classification: Uncertain significance for BRCA1-related cancer predisposition. Last evaluated: 2024-09-23. Review status: criteria provided, single submitter. Criteria: ACMG Guidelines, 2015. Collection method: clinical testing. Allele origin: germline. Inheritance: Autosomal dominant inheritance. Observed: 1 variant allele, 1 heterozygote.
Comment: This missense variant replaces serine with glycine at codon 1057 of the BRCA1 protein. Computational prediction is inconclusive regarding the impact of this variant on protein structure and function (internally defined REVEL score threshold 0.5 < inconclusive < 0.7, PMID: 27666373). To our knowledge, functional studies have not been reported for this variant. This variant has been reported in an individual affected with breast cancer (PMID: 32866190). This variant has been identified in 3/282246 chromosomes in the general population by the Genome Aggregation Database (gnomAD). The available evidence is insufficient to determine the role of this variant in disease conclusively. Therefore, this variant is classified as a Variant of Uncertain Significance.

This study involves interpretation of variants in research participants for the purpose of population health screening. Participant phenotype was not available at the time of variant classification. Additional details can be found in publication PMID: 35346344, PMCID: PMC8962531

University of Washington Department of Laboratory Medicine, University of Washington
Classification: Likely benign for Hereditary cancer-predisposing syndrome. Last evaluated: 2023-03-23. Review status: criteria provided, single submitter. Criteria: Dines et al. (Genet Med. 2020). Collection method: curation. Allele origin: germline.
Comment: Missense variant in a coldspot region where missense variants are very unlikely to be pathogenic (PMID:31911673).

BRCA1 coldspot (exon 11 using historical exon numbering). Reclassification based on statistical prior probability

Color Diagnostics, LLC DBA Color Health
Classification: Uncertain significance for Hereditary cancer-predisposing syndrome. Last evaluated: 2022-05-09. Review status: criteria provided, single submitter. Criteria: ACMG Guidelines, 2015. Collection method: clinical testing. Allele origin: germline.
Comment: This missense variant replaces serine with glycine at codon 1057 of the BRCA1 protein. Computational prediction is inconclusive regarding the impact of this variant on protein structure and function (internally defined REVEL score threshold 0.5 < inconclusive < 0.7, PMID: 27666373). To our knowledge, functional studies have not been reported for this variant. This variant has been reported in an individual affected with breast cancer (PMID: 32866190). This variant has been identified in 3/282246 chromosomes in the general population by the Genome Aggregation Database (gnomAD). The available evidence is insufficient to determine the role of this variant in disease conclusively. Therefore, this variant is classified as a Variant of Uncertain Significance.

Quest Diagnostics Nichols Institute San Juan Capistrano
Classification: Uncertain significance. Last evaluated: 2018-11-12. Review status: criteria provided, single submitter. Criteria: Quest Diagnostics criteria. Collection method: clinical testing. Allele origin: germline.

Sharing Clinical Reports Project (SCRP)
Classification: Uncertain significance for Breast-ovarian cancer, familial 1. Last evaluated: 2008-10-14. Review status: no assertion criteria provided. Collection method: clinical testing. Allele origin: germline. Not counted in ClinVar's aggregate classification.

Breast Cancer Information Core (BIC) (BRCA1)
Classification: Uncertain significance for Breast-ovarian cancer, familial 1. Last evaluated: 2004-11-25. Review status: no assertion criteria provided. Collection method: clinical testing. Allele origin: germline. Affected: yes. Observed: 1 variant allele. Not counted in ClinVar's aggregate classification.

Literature cited by the submitters: PubMed 16267036 (cited by 3 submitters); PubMed 31415627 (cited by Women's Health and Genetics/Laboratory Corporation of America, LabCorp); PubMed 32866190 (cited by 4 submitters); PubMed 32832836 (cited by Ambry Genetics).

NM_007294.4(BRCA1):c.3169A>G (p.Ser1057Gly)

Gene: BRCA1 (BRCA1 DNA repair associated; minus strand). Cytogenetic location: 17q21.31.
Variant type: single nucleotide variant.
Coding change: c.3169A>G on transcript NM_007294.4 (MANE Select); coding-DNA position 3169, A replaced by G.
Protein change: p.Ser1057Gly; replaces serine 1057 with glycine.
Molecular consequence: missense variant. On other transcripts: intron variant (137).
Genome position (GRCh38, 1-based): chr17:43,092,362, T>C on the plus strand (A>G on the coding strand, the complement: BRCA1 is on the minus strand). VCF-style: chr17-43092362-T-C. GRCh37 (hg19) VCF-style: chr17-41244379-T-C.
Other names: 3288A>G; c.2956A>G, p.Ser986Gly (NM_001407571.1, NM_001407853.1, NM_001407894.1 and 9 more transcripts); c.3169A>G, p.Ser1057Gly (NM_001407581.1, NM_001407582.1, NM_001407583.1 and 30 more transcripts); c.3166A>G, p.Ser1056Gly (NM_001407587.1, NM_001407590.1, NM_001407591.1 and 22 more transcripts); c.3160A>G, p.Ser1054Gly (NM_001407646.1, NM_001407647.1); c.3046A>G, p.Ser1016Gly (NM_001407648.1, NM_001407664.1, NM_001407665.1 and 19 more transcripts); c.3043A>G, p.Ser1015Gly (NM_001407649.1, NM_001407670.1, NM_001407671.1 and 11 more transcripts); c.3091A>G, p.Ser1031Gly (NM_001407653.1, NM_001407654.1, NM_001407655.1 and 4 more transcripts); and 42 more; short protein forms S1057G, S1010G, S1030G, S945G, S946G, S987G, S1016G, S1056G.
Identifiers: ClinVar variation 54787 (VCV000054787.28), dbSNP rs80357479, ClinGen allele CA002065.
Genomic context (GRCh38, chr17:43,092,362, plus strand): 5'-CTCTGTTTCTACCTAGTTCTGCTTGAATGTTTTCATCACTGGAACCTATTTCATTAATAC[T>C]GGAGCCCACTTCATTAGTACTGGAACCTACTTCATTAATATTGCTTGAGCTGGCTTCTTT-3'
Protein context (NP_009225.1, residues 1047-1067): VGSSTNEVGS[Ser1057Gly]INEIGSSDEN